The following is an entry in ClinVar:

NM_002471.4(MYH6):c.3640C>T (p.Arg1214Trp)

Gene: MYH6 (myosin heavy chain 6; minus strand). Cytogenetic location: 14q11.2.
Variant type: single nucleotide variant.
Coding change: c.3640C>T on transcript NM_002471.4 (MANE Select); coding-DNA position 3640, C replaced by T.
Protein change: p.Arg1214Trp; replaces arginine 1214 with tryptophan.
Molecular consequence: missense variant.
Genome position (GRCh38, 1-based): chr14:23,390,149, G>A on the plus strand (C>T on the coding strand, the complement: MYH6 is on the minus strand). VCF-style: chr14-23390149-G-A. GRCh37 (hg19) VCF-style: chr14-23859358-G-A.
Other names: short protein forms R1214W.
Identifiers: ClinVar variation 3679917 (VCV003679917.2).

ClinVar aggregate classification (germline): Uncertain significance (1 of 4 stars; one submission).

Conditions:
Hypertrophic cardiomyopathy 14. Identifiers: MedGen C2750467, MONDO:0013197, OMIM 613251.

gnomAD v4.1: 6 of 1,610,722 alleles (0.00037%); highest among the groups gnomAD compares: South Asian, 0.0022%; no homozygotes.

Submission:

Labcorp Genetics (formerly Invitae), Labcorp
Classification: Uncertain significance for Hypertrophic cardiomyopathy 14. Last evaluated: 2026-01-14. Review status: criteria provided, single submitter. Criteria: Invitae Variant Classification Sherloc (09022015). Collection method: clinical testing. Allele origin: germline.
Comment: This sequence change replaces arginine, which is basic and polar, with tryptophan, which is neutral and slightly polar, at codon 1214 of the MYH6 protein (p.Arg1214Trp). This variant is present in population databases (rs199911460, gnomAD 0.002%). This variant has not been reported in the literature in individuals affected with MYH6-related conditions. ClinVar contains an entry for this variant (Variation ID: 3679917). Invitae Evidence Modeling of protein sequence and biophysical properties (such as structural, functional, and spatial information, amino acid conservation, physicochemical variation, residue mobility, and thermodynamic stability) indicates that this missense variant is expected to disrupt MYH6 protein function with a positive predictive value of 80%. In summary, the available evidence is currently insufficient to determine the role of this variant in disease. Therefore, it has been classified as a Variant of Uncertain Significance.